The following is an entry in ClinVar:

ClinVar aggregate classification (germline): Likely pathogenic (1 of 4 stars; one submission).

Conditions:
X-linked Alport syndrome (ATS1). Also called: NEPHROPATHY AND DEAFNESS, X-LINKED; COL4A5-Related Nephropathy. Identifiers: Orphanet 63, Orphanet 88917, MedGen C4746986, MONDO:0010520, OMIM 301050.

Submission:

Clinical Genetics Laboratory, Skane University Hospital Lund
Classification: Likely pathogenic for X-linked Alport syndrome. Last evaluated: 2025-12-04. Review status: criteria provided, single submitter. Criteria: ACMG Guidelines, 2015. Collection method: clinical testing. Allele origin: germline. Affected: yes.
Comment: ACMG criteria used: PM2, PP3, PP4 strong.

NM_033380.3(COL4A5):c.4967C>A (p.Ala1656Glu)

Gene: COL4A5 (collagen type IV alpha 5 chain; plus strand). Cytogenetic location: Xq22.3.
Variant type: single nucleotide variant.
Coding change: c.4967C>A on transcript NM_033380.3 (MANE Select); coding-DNA position 4967, C replaced by A.
Protein change: p.Ala1656Glu; replaces alanine 1656 with glutamic acid.
Molecular consequence: missense variant.
Genome position (GRCh38, 1-based): chrX:108,695,412, C>A. VCF-style: chrX-108695412-C-A. GRCh37 (hg19) VCF-style: chrX-107938642-C-A.
Other names: c.4949C>A, p.Ala1650Glu (NM_000495.5); short protein forms A1650E, A1656E.
Identifiers: ClinVar variation 4533196 (VCV004533196.1).
Genomic context (GRCh38, chrX:108,695,412, plus strand): 5'-TCGAATGTCATGGGAGGGGTACCTGTAACTACTATGCCAACTCCTACAGCTTTTGGCTGG[C>A]AACTGTAGATGTGTCAGACATGTTCAGGTAAAGTGCTTATAGCTTTAATTCAGGTCCAAA-3'
Protein context (NP_203699.1, residues 1646-1666): YYANSYSFWL[Ala1656Glu]TVDVSDMFSK